The following is an entry in ClinVar:

ClinVar aggregate classification (germline): Likely benign. Review status: criteria provided, multiple submitters, no conflicts (2 of 4 stars). 4 submissions from 4 submitters: Likely benign (4). Last evaluated 2025-10-25.

Conditions:
Inborn genetic diseases. Identifiers: MedGen C0950123, MeSH D030342.
Neuronal ceroid lipofuscinosis 11. Also called: GRN-Related Neuronal Ceroid-Lipofuscinosis. Identifiers: Orphanet 314629, Orphanet 79262, MedGen C3539123, MONDO:0013866, OMIM 614706.
GRN-related frontotemporal lobar degeneration with Tdp43 inclusions (FTD2). Also called: FRONTOTEMPORAL DEMENTIA WITH TDP43 INCLUSIONS, GRN-RELATED; DEMENTIA, HEREDITARY DYSPHASIC DISINHIBITION; FRONTOTEMPORAL LOBAR DEGENERATION WITH UBIQUITIN-POSITIVE INCLUSIONS; FTLD-TDP, GRN-RELATED; GRN Frontotemporal Dementia. Identifiers: Orphanet 100070, Orphanet 282, MedGen C1843792, MONDO:0011842, OMIM 607485. Disease mechanism: loss of function.
GRN-related disorder. Also called: GRN-related disorders; GRN-related condition.

Allele frequency attached by ClinVar (database versions not stated): gnomAD exomes below 0.00001; gnomAD 0.00004 and 0.00005; TOPMed 0.00011.
gnomAD v4.1: 14 of 1,611,984 alleles (0.00087%); highest among the groups gnomAD compares: Admixed American, 0.015%; no homozygotes.

Submissions (4):

Labcorp Genetics (formerly Invitae), Labcorp
Classification: Likely benign for Neuronal ceroid lipofuscinosis 11; GRN-related frontotemporal lobar degeneration with Tdp43 inclusions. Last evaluated: 2025-10-25. Review status: criteria provided, single submitter. Criteria: Invitae Variant Classification Sherloc (09022015). Collection method: clinical testing. Allele origin: germline.

PreventionGenetics, part of Exact Sciences
Classification: Likely benign for GRN-related condition. Last evaluated: 2025-08-18. Review status: criteria provided, single submitter. Criteria: ACMG Guidelines, 2015. Collection method: clinical testing. Allele origin: germline.
Comment: This variant is classified as likely benign based on ACMG/AMP sequence variant interpretation guidelines (Richards et al. 2015 PMID: 25741868, with internal and published modifications).

Blueprint Genetics
Classification: Likely benign. Last evaluated: 2024-07-14. Review status: criteria provided, single submitter. Criteria: ACMG Guidelines, 2015. Collection method: clinical testing. Allele origin: germline.

Ambry Genetics
Classification: Likely benign for Inborn genetic diseases. Last evaluated: 2018-09-19. Review status: criteria provided, single submitter. Criteria: Ambry Variant Classification Scheme 2023. Collection method: clinical testing. Allele origin: germline.

NM_002087.4(GRN):c.690C>T (p.Gly230=)

Genes: GRN (granulin precursor; plus strand), LOC125177489 (Sharpr-MPRA regulatory region 15390; plus strand). Cytogenetic location: 17q21.31.
Variant type: single nucleotide variant.
Coding change: c.690C>T on transcript NM_002087.4 (MANE Select); coding-DNA position 690, C replaced by T.
Protein change: p.Gly230=; no amino-acid change (glycine 230 retained).
Molecular consequence: synonymous variant.
Genome position (GRCh38, 1-based): chr17:44,350,782, C>T. VCF-style: chr17-44350782-C-T. GRCh37 (hg19) VCF-style: chr17-42428150-C-T.
Identifiers: ClinVar variation 778671 (VCV000778671.14), dbSNP rs956842924, ClinGen allele CA290925928.
Genomic context (GRCh38, chr17:44,350,782, plus strand): 5'-CGCACGGTCCCGGTGCCCTGATGGTTCTACCTGCTGTGAGCTGCCCAGTGGGAAGTATGG[C>T]TGCTGCCCAATGCCCAACGTGAGTGAGGGGCTGGAGCCAGCTTGGCTGTGTGCCCCCAGC-3'
Protein context (NP_002078.1, residues 220-240): TCCELPSGKY[Gly230=]CCPMPNATCC